The following is an entry in ClinVar:

ClinVar aggregate classification (germline): Conflicting classifications of pathogenicity. Review status: criteria provided, conflicting classifications (1 of 4 stars). 7 submissions from 7 submitters: Uncertain significance (5); Likely benign (2). Last evaluated 2026-05-01.

Conditions:
BRIP1-related disorder. Also called: BRIP1-related condition; BRIP1-related disorders. Identifiers: MedGen CN239206.
Hereditary cancer-predisposing syndrome. Also called: Neoplastic Syndromes, Hereditary; Tumor predisposition; Hereditary Cancer Syndrome; Hereditary neoplastic syndrome. Identifiers: Orphanet 140162, MedGen C0027672, MeSH D009386, MONDO:0015356.
Breast and/or ovarian cancer. Identifiers: MedGen CN221562.
Fanconi anemia complementation group J. Also called: BRIP1-Related Fanconi Anemia. Identifiers: Orphanet 84, MedGen C1836860, MONDO:0012187, OMIM 609054.
Familial cancer of breast. Also called: hereditary breast carcinoma; BREAST CANCER, FAMILIAL; Hereditary breast cancer. Identifiers: Orphanet 227535, MedGen C0346153, MONDO:0016419, OMIM 114480. Disease mechanism: loss of function.

Allele frequency attached by ClinVar (database versions not stated): gnomAD 0.00001; gnomAD exomes 0.00001 and 0.00003; ExAC 0.00002; TOPMed 0.00002.
gnomAD v4.1: 9 of 1,613,848 alleles (0.00056%); highest among the groups gnomAD compares: East Asian, 0.02%; no homozygotes.

Submissions (7):

PreventionGenetics, part of Exact Sciences
Classification: Uncertain significance for BRIP1-related condition. Last evaluated: 2026-05-01. Review status: criteria provided, single submitter. Criteria: ACMG Guidelines, 2015. Collection method: clinical testing. Allele origin: germline.
Comment: The BRIP1 c.2686A>G variant is predicted to result in the amino acid substitution p.Ile896Val. This variant was reported in an individual with biliary tract cancer (Okawa et al. 2023. PubMed ID: 36243179) and in an individual with breast cancer (Table S2, Wang et al. 2019. PubMed ID: 30982232). This variant is reported in 0.043% of alleles in individuals of East Asian descent in gnomAD. This variant has conflicting interpretations in ClinVar ranging from uncertain to likely benign (Variation ID: 232249). At this time, the clinical significance of this variant is uncertain due to the absence of conclusive functional and genetic evidence.

Labcorp Genetics (formerly Invitae), Labcorp
Classification: Uncertain significance for Familial cancer of breast; Fanconi anemia complementation group J. Last evaluated: 2025-01-26. Review status: criteria provided, single submitter. Criteria: Invitae Variant Classification Sherloc (09022015). Collection method: clinical testing. Allele origin: germline.
Comment: This sequence change replaces isoleucine, which is neutral and non-polar, with valine, which is neutral and non-polar, at codon 896 of the BRIP1 protein (p.Ile896Val). This variant is present in population databases (rs764406913, gnomAD 0.03%). This missense change has been observed in individual(s) with acute myeloid leukemia (PMID: 30998136). ClinVar contains an entry for this variant (Variation ID: 232249). Invitae Evidence Modeling of protein sequence and biophysical properties (such as structural, functional, and spatial information, amino acid conservation, physicochemical variation, residue mobility, and thermodynamic stability) indicates that this missense variant is not expected to disrupt BRIP1 protein function with a negative predictive value of 95%. In summary, the available evidence is currently insufficient to determine the role of this variant in disease. Therefore, it has been classified as a Variant of Uncertain Significance.

Color Diagnostics, LLC DBA Color Health
Classification: Likely benign for Hereditary cancer-predisposing syndrome. Last evaluated: 2024-09-19. Review status: criteria provided, single submitter. Criteria: ACMG Guidelines, 2015. Collection method: clinical testing. Allele origin: germline.

GeneDx
Classification: Uncertain significance. Last evaluated: 2024-09-11. Review status: criteria provided, single submitter. Criteria: GeneDx Variant Classification Process June 2021. Collection method: clinical testing. Allele origin: germline. Affected: yes.
Comment: In silico analysis indicates that this missense variant does not alter protein structure/function; Observed in at least one individual with breast cancer (PMID: 30982232); Reported as a germline variant in a patient with biliary tract cancer (PMID: 36243179); This variant is associated with the following publications: (PMID: 27093186, 30998136, 32984025, 11301010, 30982232, 36243179)

Ambry Genetics
Classification: Likely benign for Hereditary cancer-predisposing syndrome. Last evaluated: 2024-06-26. Review status: criteria provided, single submitter. Criteria: Ambry Variant Classification Scheme 2023. Collection method: clinical testing. Allele origin: germline.

CHEO Genetics Diagnostic Laboratory, Children's Hospital of Eastern Ontario
Classification: Uncertain significance for Breast and/or ovarian cancer. Last evaluated: 2021-01-11. Review status: criteria provided, single submitter. Criteria: ACMG Guidelines, 2015. Collection method: clinical testing. Allele origin: germline.

Quest Diagnostics Nichols Institute San Juan Capistrano
Classification: Uncertain significance. Last evaluated: 2017-10-20. Review status: criteria provided, single submitter. Criteria: Quest Diagnostics criteria. Collection method: clinical testing. Allele origin: germline.

Literature cited by the submitters: PubMed 30998136 (cited by Labcorp Genetics (formerly Invitae), Labcorp); PubMed 30982232 (cited by Ambry Genetics); PubMed 32984025 (cited by Ambry Genetics); PubMed 36243179 (cited by Ambry Genetics).

NM_032043.3(BRIP1):c.2686A>G (p.Ile896Val)

Gene: BRIP1 (BRCA1 interacting DNA helicase 1; minus strand). Cytogenetic location: 17q23.2.
Variant type: single nucleotide variant.
Coding change: c.2686A>G on transcript NM_032043.3 (MANE Select); coding-DNA position 2686, A replaced by G.
Protein change: p.Ile896Val; replaces isoleucine 896 with valine.
Molecular consequence: missense variant.
Genome position (GRCh38, 1-based): chr17:61,686,055, T>C on the plus strand (A>G on the coding strand, the complement: BRIP1 is on the minus strand). VCF-style: chr17-61686055-T-C. GRCh37 (hg19) VCF-style: chr17-59763416-T-C.
Other names: short protein forms I896V.
Identifiers: ClinVar variation 232249 (VCV000232249.24), dbSNP rs764406913, ClinGen allele CA8690466.